The following is an entry in ClinVar:

NM_004006.3(DMD):c.5867G>A (p.Trp1956Ter)

Gene: DMD (dystrophin; minus strand). Cytogenetic location: Xp21.1.
Variant type: single nucleotide variant.
Coding change: c.5867G>A on transcript NM_004006.3 (MANE Select); coding-DNA position 5867, G replaced by A.
Protein change: p.Trp1956Ter; replaces tryptophan 1956 with a stop codon.
Molecular consequence: nonsense.
Genome position (GRCh38, 1-based): chrX:32,342,155, C>T on the plus strand (G>A on the coding strand, the complement: DMD is on the minus strand). VCF-style: chrX-32342155-C-T. GRCh37 (hg19) VCF-style: chrX-32360272-C-T.
Other names: c.5843G>A, p.Trp1948Ter (NM_000109.4); c.5855G>A, p.Trp1952Ter (NM_004009.3); c.5498G>A, p.Trp1833Ter (NM_004010.3); c.1844G>A, p.Trp615Ter (NM_004011.4); c.1835G>A, p.Trp612Ter (NM_004012.4); short protein forms W1956*, W1833*, W612*, W1948*, W1952*, W615*.
Identifiers: ClinVar variation 593723 (VCV000593723.19), dbSNP rs1569558906, ClinGen allele CA412664875.

ClinVar aggregate classification (germline): Pathogenic. Review status: criteria provided, multiple submitters, no conflicts (2 of 4 stars). 3 submissions from 3 submitters: Pathogenic (3). Last evaluated 2025-04-21.

Conditions:
Becker muscular dystrophy, Cardiomyopathy, Duchenne muscular dystrophy, Dystrophin deficiency.
Duchenne muscular dystrophy (DMD). Also called: MUSCULAR DYSTROPHY, PSEUDOHYPERTROPHIC PROGRESSIVE, DUCHENNE TYPE; Duchenne Muscular Dystrophy (DMD). Identifiers: Orphanet 98896, MedGen C0013264, MONDO:0010679, OMIM 310200.

Submissions (3):

Natera, Inc.
Classification: Pathogenic for Becker muscular dystrophy, Cardiomyopathy, Duchenne muscular dystrophy, Dystrophin deficiency. Last evaluated: 2025-04-21. Review status: criteria provided, single submitter. Criteria: Natera Variant Classification Schema (03/2026). Collection method: clinical testing. Allele origin: germline.
Comment: The c.5867G>A variant in DMD is a nonsense variant predicted to introduce a stop codon at amino acid 1956. This variant is expected to result in nonsense mediated decay, truncation, or a dysfunctional protein product. This variant is rare in the general population with a frequency below the threshold expected for the associated phenotype(s). This variant has been observed in affected individual(s) with monoallelic occurrence (heterozygous/hemizygous) (PMID: 21972111). Given the available evidence, this variant is classified as Pathogenic.

Labcorp Genetics (formerly Invitae), Labcorp
Classification: Pathogenic for Duchenne muscular dystrophy. Last evaluated: 2019-04-09. Review status: criteria provided, single submitter. Criteria: Invitae Variant Classification Sherloc (09022015). Collection method: clinical testing. Allele origin: germline.
Comment: This sequence change creates a premature translational stop signal (p.Trp1956*) in the DMD gene. It is expected to result in an absent or disrupted protein product. This variant is not present in population databases (ExAC no frequency). This variant has been observed in an individual affected with Duchenne muscular dystrophy (PMID: 19937601). Loss-of-function variants in DMD are known to be pathogenic (PMID: 16770791, 25007885). For these reasons, this variant has been classified as Pathogenic.

Eurofins Ntd Llc (ga)
Classification: Pathogenic. Last evaluated: 2017-08-24. Review status: criteria provided, single submitter. Criteria: EGL Classification Definitions 2015. Collection method: clinical testing. Allele origin: germline. Observed: 1 variant allele, 1 heterozygote.

Literature cited by the submitters: PubMed 21972111 (cited by Natera, Inc.); PubMed 19937601 (cited by Labcorp Genetics (formerly Invitae), Labcorp); PubMed 16770791 (cited by Labcorp Genetics (formerly Invitae), Labcorp); PubMed 25007885 (cited by Labcorp Genetics (formerly Invitae), Labcorp).